The following is an entry in ClinVar:

ClinVar aggregate classification (germline): Uncertain significance (1 of 4 stars; one submission).

Conditions:
Hereditary nonpolyposis colorectal neoplasms. Identifiers: MedGen C0009405, MeSH D003123.

Submission:

Labcorp Genetics (formerly Invitae), Labcorp
Classification: Uncertain significance for Hereditary nonpolyposis colorectal neoplasms. Last evaluated: 2021-05-19. Review status: criteria provided, single submitter. Criteria: Invitae Variant Classification Sherloc (09022015). Collection method: clinical testing. Allele origin: germline.
Comment: This sequence change replaces glutamic acid with aspartic acid at codon 948 of the MSH6 protein (p.Glu948Asp). The glutamic acid residue is moderately conserved and there is a small physicochemical difference between glutamic acid and aspartic acid. In summary, the available evidence is currently insufficient to determine the role of this variant in disease. Therefore, it has been classified as a Variant of Uncertain Significance. Algorithms developed to predict the effect of missense changes on protein structure and function do not agree on the potential impact of this missense change (SIFT: "Tolerated"; PolyPhen-2: "Probably Damaging"; Align-GVGD: "Class C0"). This variant has not been reported in the literature in individuals with MSH6-related disease. This variant is not present in population databases (ExAC no frequency).

NM_000179.3(MSH6):c.2844A>T (p.Glu948Asp)

Gene: MSH6 (mutS homolog 6; plus strand). Cytogenetic location: 2p16.3.
Variant type: single nucleotide variant.
Coding change: c.2844A>T on transcript NM_000179.3 (MANE Select); coding-DNA position 2844, A replaced by T.
Protein change: p.Glu948Asp; replaces glutamic acid 948 with aspartic acid.
Molecular consequence: missense variant.
Genome position (GRCh38, 1-based): chr2:47,800,827, A>T. VCF-style: chr2-47800827-A-T. GRCh37 (hg19) VCF-style: chr2-48027966-A-T.
Other names: c.2454A>T, p.Glu818Asp (NM_001281492.2); c.1938A>T, p.Glu646Asp (NM_001281493.2, NM_001281494.2); short protein forms E948D, E818D, E646D.
Identifiers: ClinVar variation 571614 (VCV000571614.9), dbSNP rs1558666921, ClinGen allele CA346755821.